The following is an entry in ClinVar:

NM_004385.5(VCAN):c.7163C>T (p.Thr2388Ile)

Genes: VCAN (versican; plus strand), VCAN-AS1 (VCAN antisense RNA 1; minus strand). Cytogenetic location: 5q14.3.
Variant type: single nucleotide variant.
Coding change: c.7163C>T on transcript NM_004385.5 (MANE Select); coding-DNA position 7163, C replaced by T.
Protein change: p.Thr2388Ile; replaces threonine 2388 with isoleucine.
Molecular consequence: missense variant. On other transcripts: intron variant (2).
Genome position (GRCh38, 1-based): chr5:83,540,166, C>T. VCF-style: chr5-83540166-C-T. GRCh37 (hg19) VCF-style: chr5-82835985-C-T.
Other names: c.4202C>T, p.Thr1401Ile (NM_001164097.2); c.4004-5371C>T (NM_001164098.2); c.1043-5371C>T (NM_001126336.3); short protein forms T1401I, T2388I.
Identifiers: ClinVar variation 1006699 (VCV001006699.9), dbSNP rs758242973, ClinGen allele CA3333593.

ClinVar aggregate classification (germline): Uncertain significance. Review status: criteria provided, multiple submitters, no conflicts (2 of 4 stars). 2 submissions from 2 submitters: Uncertain significance (2). Last evaluated 2026-01-27.

Allele frequency attached by ClinVar (database versions not stated): gnomAD 0.00001; gnomAD exomes 0.00001 and 0.00002; TOPMed 0.00001; ExAC 0.00003.
gnomAD v4.1: 23 of 1,613,884 alleles (0.0014%); highest among the groups gnomAD compares: Middle Eastern, 0.016%; no homozygotes.

Submissions (2):

Labcorp Genetics (formerly Invitae), Labcorp
Classification: Uncertain significance. Last evaluated: 2026-01-27. Review status: criteria provided, single submitter. Criteria: Invitae Variant Classification Sherloc (09022015). Collection method: clinical testing. Allele origin: germline.
Comment: This sequence change replaces threonine, which is neutral and polar, with isoleucine, which is neutral and non-polar, at codon 2388 of the VCAN protein (p.Thr2388Ile). This variant is present in population databases (rs758242973, gnomAD 0.004%). This variant has not been reported in the literature in individuals affected with VCAN-related conditions. ClinVar contains an entry for this variant (Variation ID: 1006699). An algorithm developed to predict the effect of missense changes on protein structure and function (PolyPhen-2) suggests that this variant is likely to be tolerated. In summary, the available evidence is currently insufficient to determine the role of this variant in disease. Therefore, it has been classified as a Variant of Uncertain Significance.

Blueprint Genetics
Classification: Uncertain significance. Last evaluated: 2024-05-23. Review status: criteria provided, single submitter. Criteria: ACMG Guidelines, 2015. Collection method: clinical testing. Allele origin: germline.